The following is an entry in ClinVar:

ClinVar aggregate classification (germline): Conflicting classifications of pathogenicity. Review status: criteria provided, conflicting classifications (1 of 4 stars). 4 submissions from 4 submitters: Uncertain significance (3); Likely benign (1). Last evaluated 2025-09-17.

Conditions:
Hereditary cancer-predisposing syndrome. Also called: Neoplastic Syndromes, Hereditary; Tumor predisposition; Hereditary Cancer Syndrome; Hereditary neoplastic syndrome. Identifiers: Orphanet 140162, MedGen C0027672, MeSH D009386, MONDO:0015356.
Familial cancer of breast. Also called: BREAST CANCER, FAMILIAL; hereditary breast carcinoma; Hereditary breast cancer. Identifiers: Orphanet 227535, MedGen C0346153, MONDO:0016419, OMIM 114480. Disease mechanism: loss of function.

Allele frequency attached by ClinVar (database versions not stated): gnomAD exomes below 0.00001.
gnomAD v4.1: 5 of 1,595,830 alleles (0.00031%); highest among the groups gnomAD compares: East Asian, 0.0022%; no homozygotes.

Submissions (4):

Color Diagnostics, LLC DBA Color Health
Classification: Uncertain significance for Hereditary cancer-predisposing syndrome. Last evaluated: 2025-09-17. Review status: criteria provided, single submitter. Criteria: ACMG Guidelines, 2015. Collection method: clinical testing. Allele origin: germline.
Comment: This missense variant replaces valine with isoleucine at codon 468 of the CHEK2 protein. Computational prediction suggests that this variant may not impact protein structure and function. Functional studies have shown this variant is functional in KAP1 kinase and CHK2 autophosphorylation assays (PMID: 37449874). This variant has been reported in an individual affected with breast cancer (PMID: 30287823). This variant has not been identified in the general population by the Genome Aggregation Database (gnomAD). The available evidence is insufficient to determine the role of this variant in disease conclusively. Therefore, this variant is classified as a Variant of Uncertain Significance.

Labcorp Genetics (formerly Invitae), Labcorp
Classification: Uncertain significance for Familial cancer of breast. Last evaluated: 2025-08-10. Review status: criteria provided, single submitter. Criteria: Invitae Variant Classification Sherloc (09022015). Collection method: clinical testing. Allele origin: germline.
Comment: This sequence change replaces valine, which is neutral and non-polar, with isoleucine, which is neutral and non-polar, at codon 468 of the CHEK2 protein (p.Val468Ile). This variant is not present in population databases (gnomAD no frequency). This missense change has been observed in individual(s) with breast cancer (PMID: 30287823). ClinVar contains an entry for this variant (Variation ID: 232934). An algorithm developed to predict the effect of missense changes on protein structure and function outputs the following: PolyPhen-2: "Benign". The isoleucine amino acid residue is found in multiple mammalian species, which suggests that this missense change does not adversely affect protein function. In summary, the available evidence is currently insufficient to determine the role of this variant in disease. Therefore, it has been classified as a Variant of Uncertain Significance.

Ambry Genetics
Classification: Likely benign for Hereditary cancer-predisposing syndrome. Last evaluated: 2024-02-23. Review status: criteria provided, single submitter. Criteria: Ambry Variant Classification Scheme 2023. Collection method: clinical testing. Allele origin: germline.

Baylor Genetics
Classification: Uncertain significance for Familial cancer of breast. Last evaluated: 2023-09-21. Review status: criteria provided, single submitter. Criteria: ACMG Guidelines, 2015. Collection method: clinical testing. Allele origin: unknown.

Literature cited by the submitters: PubMed 30287823 (cited by Color Diagnostics, LLC DBA Color Health and Labcorp Genetics (formerly Invitae), Labcorp); PubMed 37449874 (cited by Color Diagnostics, LLC DBA Color Health and Ambry Genetics).

NM_007194.4(CHEK2):c.1402G>A (p.Val468Ile)

Gene: CHEK2 (checkpoint kinase 2; minus strand). Cytogenetic location: 22q12.1.
Variant type: single nucleotide variant.
Coding change: c.1402G>A on transcript NM_007194.4 (MANE Select); coding-DNA position 1402, G replaced by A.
Protein change: p.Val468Ile; replaces valine 468 with isoleucine.
Molecular consequence: missense variant.
Genome position (GRCh38, 1-based): chr22:28,694,091, C>T on the plus strand (G>A on the coding strand, the complement: CHEK2 is on the minus strand). VCF-style: chr22-28694091-C-T. GRCh37 (hg19) VCF-style: chr22-29090079-C-T.
Other names: c.1531G>A, p.Val511Ile (NM_001005735.3); c.739G>A, p.Val247Ile (NM_001257387.3); c.1201G>A, p.Val401Ile (NM_001349956.3); c.1315G>A, p.Val439Ile (NM_145862.3); short protein forms V468I, V439I, V511I, V401I, V247I.
Identifiers: ClinVar variation 232934 (VCV000232934.20), dbSNP rs876660084, ClinGen allele CA10581028.